The following is an entry in ClinVar:

ClinVar aggregate classification (germline): Pathogenic/Likely pathogenic. Review status: criteria provided, multiple submitters, no conflicts (2 of 4 stars). 5 submissions from 5 submitters: Pathogenic (1); Likely pathogenic (4). Last evaluated 2025-10-18.

Conditions:
Congenital myotonia, autosomal recessive form. Also called: Becker Generalized Myotonia; BECKER DISEASE; myotonia congenita, autosomal recessive. Identifiers: Orphanet 614, MedGen C0751360, MONDO:0009715, OMIM 255700.
Congenital myotonia, autosomal dominant form (THD). Also called: THOMSEN DISEASE; Myotonia congenita autosomal dominant. Identifiers: Orphanet 614, MedGen C2936781, MONDO:0008055, OMIM 160800.

Allele frequency attached by ClinVar (database versions not stated): gnomAD 0.00001; ExAC 0.00002; gnomAD exomes 0.00002; 1000 Genomes Project 0.00020; 1000 Genomes Project 30x 0.00031.
gnomAD v4.1: 16 of 1,614,156 alleles (0.00099%); highest among the groups gnomAD compares: East Asian, 0.0022%; no homozygotes.

Submissions (5):

Labcorp Genetics (formerly Invitae), Labcorp
Classification: Pathogenic for Congenital myotonia, autosomal recessive form; Congenital myotonia, autosomal dominant form. Last evaluated: 2025-10-18. Review status: criteria provided, single submitter. Criteria: Invitae Variant Classification Sherloc (09022015). Collection method: clinical testing. Allele origin: germline.
Comment: This sequence change replaces glutamic acid, which is acidic and polar, with lysine, which is basic and polar, at codon 548 of the CLCN1 protein (p.Glu548Lys). This variant is present in population databases (rs546411827, gnomAD 0.003%). This missense change has been observed in individual(s) with autosomal recessive myotonia congenita (PMID: 21221019, 29606556; internal data). In at least one individual the data is consistent with being in trans (on the opposite chromosome) from a pathogenic variant. This variant is also known as E547K. ClinVar contains an entry for this variant (Variation ID: 860796). Invitae Evidence Modeling of protein sequence and biophysical properties (such as structural, functional, and spatial information, amino acid conservation, physicochemical variation, residue mobility, and thermodynamic stability) indicates that this missense variant is expected to disrupt CLCN1 protein function with a positive predictive value of 95%. For these reasons, this variant has been classified as Pathogenic.

CeGaT Center for Human Genetics Tuebingen
Classification: Likely pathogenic. Last evaluated: 2024-07-01. Review status: criteria provided, single submitter. Criteria: CeGaT Center For Human Genetics Tuebingen Variant Classification Criteria Version 2. Collection method: clinical testing. Allele origin: germline. Affected: yes. Observed: 3 variant alleles.
Comment: CLCN1: PM1, PM2, PM3, PP3

Fulgent Genetics
Classification: Likely pathogenic for Congenital myotonia, autosomal dominant form; Congenital myotonia, autosomal recessive form. Last evaluated: 2024-05-24. Review status: criteria provided, single submitter. Criteria: ACMG Guidelines, 2015. Collection method: clinical testing. Allele origin: germline.

Women's Health and Genetics/Laboratory Corporation of America, LabCorp
Classification: Likely pathogenic for Congenital myotonia, autosomal recessive form. Last evaluated: 2024-05-23. Review status: criteria provided, single submitter. Criteria: LabCorp Variant Classification Summary - May 2015. Collection method: clinical testing. Allele origin: germline.
Comment: Variant summary: CLCN1 c.1642G>A (p.Glu548Lys) results in a conservative amino acid change in the encoded protein sequence. Four of five in-silico tools predict a damaging effect of the variant on protein function. The variant allele was found at a frequency of 1.6e-05 in 251320 control chromosomes. c.1642G>A has been reported in the literature in individuals affected with autosomal recessive myotonia congenita (e.g. Modoni_2011, Stunnenberg_2018, Nik_2022, Suetterlin_2022). These data indicate that the variant is likely associated with disease. At least one in vitro patch clamp study in xenopus oocytes showed that this variant results in reduced current amplitude (e.g. Suetterlin_2022). This variant is also known as E547K. The following publications have been ascertained in the context of this evaluation (PMID: 21221019, 36540316, 29606556, 34529042). ClinVar contains an entry for this variant (Variation ID: 860796). Based on the evidence outlined above, the variant was classified as likely pathogenic.

Juno Genomics, Hangzhou Juno Genomics, Inc
Classification: Likely pathogenic for Congenital myotonia, autosomal recessive form. Review status: criteria provided, single submitter. Criteria: ACMG Guidelines, 2015. Collection method: clinical testing. Allele origin: germline.
Comment: Absent from controls (or at extremely low frequency if recessive) in Genome Aggregation Database.;Multiple lines of computational evidence support a deleterious effect on the gene or gene product.;For recessive disorders, detected in trans with a pathogenic variant.

Literature cited by the submitters: PubMed 21221019 (cited by Labcorp Genetics (formerly Invitae), Labcorp and Women's Health and Genetics/Laboratory Corporation of America, LabCorp); PubMed 29606556 (cited by Labcorp Genetics (formerly Invitae), Labcorp and Women's Health and Genetics/Laboratory Corporation of America, LabCorp); PubMed 34529042 (cited by Women's Health and Genetics/Laboratory Corporation of America, LabCorp); PubMed 36540316 (cited by Women's Health and Genetics/Laboratory Corporation of America, LabCorp).

NM_000083.3(CLCN1):c.1642G>A (p.Glu548Lys)

Gene: CLCN1 (chloride voltage-gated channel 1; plus strand). Cytogenetic location: 7q34.
Variant type: single nucleotide variant.
Coding change: c.1642G>A on transcript NM_000083.3 (MANE Select); coding-DNA position 1642, G replaced by A.
Protein change: p.Glu548Lys; replaces glutamic acid 548 with lysine.
Molecular consequence: missense variant. On other transcripts: non-coding transcript variant (1).
Genome position (GRCh38, 1-based): chr7:143,341,988, G>A. VCF-style: chr7-143341988-G-A. GRCh37 (hg19) VCF-style: chr7-143039081-G-A.
Other names: short protein forms E548K.
Identifiers: ClinVar variation 860796 (VCV000860796.31), dbSNP rs546411827, ClinGen allele CA4537442.
Genomic context (GRCh38, chr7:143,341,988, plus strand): 5'-GGAGCAGCAGCGCTGACTGGTGCCGTTTCCCACACAGTCTCCACAGCTGTGATTTGCTTC[G>A]AATTAACGGGTCAGATTGCTCACATCCTGCCCATGATGGTGGCTGTTATCTTGGCCAACA-3'
Protein context (NP_000074.3, residues 538-558): HTVSTAVICF[Glu548Lys]LTGQIAHILP